The following is an entry in ClinVar:

NM_000426.4(LAMA2):c.7519A>G (p.Asn2507Asp)

Gene: LAMA2 (laminin subunit alpha 2; plus strand). Cytogenetic location: 6q22.33.
Variant type: single nucleotide variant.
Coding change: c.7519A>G on transcript NM_000426.4 (MANE Select); coding-DNA position 7519, A replaced by G.
Protein change: p.Asn2507Asp; replaces asparagine 2507 with aspartic acid.
Molecular consequence: missense variant.
Genome position (GRCh38, 1-based): chr6:129,478,760, A>G. VCF-style: chr6-129478760-A-G. GRCh37 (hg19) VCF-style: chr6-129799905-A-G.
Other names: c.7507A>G, p.Asn2503Asp (NM_001079823.2); short protein forms N2507D, N2503D.
Identifiers: ClinVar variation 2010563 (VCV002010563.1), dbSNP rs1784208336, ClinGen allele CA365626671.
Genomic context (GRCh38, chr6:129,478,760, plus strand): 5'-GTAAATCTGAAGAAATATTCCGGCTGCCTCAAAGATATTGAAATTTCAAGAACTCCGTAC[A>G]ATATACTCAGTAGTCCCGATTATGTTGGTGTTACCAAAGGATGTTCCCTGGAGGTTGGTC-3'
Protein context (NP_000417.3, residues 2497-2517): KDIEISRTPY[Asn2507Asp]ILSSPDYVGV

ClinVar aggregate classification (germline): Uncertain significance (1 of 4 stars; one submission).

Conditions:
LAMA2-related muscular dystrophy (LAMA2-RD). Also called: Laminin alpha 2-related dystrophy. Identifiers: MedGen C5679788, MONDO:0100228.

Allele frequency attached by ClinVar (database versions not stated): gnomAD exomes below 0.00001.
gnomAD v4.1: 2 of 1,613,062 alleles (0.00012%); highest among the groups gnomAD compares: Non-Finnish European, 0.000085%; no homozygotes.

Submission:

Labcorp Genetics (formerly Invitae), Labcorp
Classification: Uncertain significance for LAMA2-related muscular dystrophy. Last evaluated: 2022-06-25. Review status: criteria provided, single submitter. Criteria: Invitae Variant Classification Sherloc (09022015). Collection method: clinical testing. Allele origin: germline.
Comment: This sequence change replaces asparagine, which is neutral and polar, with aspartic acid, which is acidic and polar, at codon 2507 of the LAMA2 protein (p.Asn2507Asp). This variant is not present in population databases (gnomAD no frequency). This variant has not been reported in the literature in individuals affected with LAMA2-related conditions. Advanced modeling of protein sequence and biophysical properties (such as structural, functional, and spatial information, amino acid conservation, physicochemical variation, residue mobility, and thermodynamic stability) performed at Invitae indicates that this missense variant is not expected to disrupt LAMA2 protein function. In summary, the available evidence is currently insufficient to determine the role of this variant in disease. Therefore, it has been classified as a Variant of Uncertain Significance.